The following is an entry in ClinVar:

ClinVar aggregate classification (germline): Pathogenic (1 of 4 stars; one submission).

Conditions:
Familial cancer of breast. Also called: Hereditary breast cancer; BREAST CANCER, FAMILIAL; hereditary breast carcinoma. Identifiers: Orphanet 227535, MedGen C0346153, MONDO:0016419, OMIM 114480. Disease mechanism: loss of function.

Submission:

Myriad Genetics, Inc.
Classification: Pathogenic for Familial cancer of breast. Last evaluated: 2023-06-27. Review status: criteria provided, single submitter. Criteria: Myriad Autosomal Dominant, Autosomal Recessive and X-Linked Classification Criteria (2023). Collection method: clinical testing. Allele origin: unknown.
Comment: This variant is considered pathogenic. This variant creates a frameshift predicted to result in premature protein truncation.

NM_007194.4(CHEK2):c.815del (p.Thr272fs)

Gene: CHEK2 (checkpoint kinase 2; minus strand). Cytogenetic location: 22q12.1.
Variant type: Deletion.
Coding change: c.815del on transcript NM_007194.4 (MANE Select); coding-DNA position 815, one base deleted (C; older notation c.815delC).
Protein change: p.Thr272fs; shifts the reading frame from threonine 272.
Molecular consequence: frameshift variant.
Genome position (GRCh38, 1-based): chr22:28,710,037, G deleted on the plus strand (C on the coding strand, the reverse complement: CHEK2 is on the minus strand). VCF-style (leftmost placement, unchanged base first): chr22-28710036-TG-T. GRCh37 (hg19) VCF-style: chr22-29106024-TG-T.
Other names: c.944delC, p.Thr315Lysfs (NM_001005735.3); c.152delC, p.Thr51Lysfs (NM_001257387.3); c.614delC, p.Thr205Lysfs (NM_001349956.3); c.815delC, p.Thr272Lysfs (NM_145862.3); short protein forms T205fs, T272fs, T315fs, T51fs.
Identifiers: ClinVar variation 2583570 (VCV002583570.2), dbSNP rs2517943525, ClinGen allele CA2582342758.